The following is an entry in ClinVar:

NM_000156.6(GAMT):c.328-1G>A

Gene: GAMT (guanidinoacetate N-methyltransferase; minus strand). Cytogenetic location: 19p13.3.
Variant type: single nucleotide variant.
Coding change: c.328-1G>A on transcript NM_000156.6 (MANE Select); the canonical splice acceptor site of the intron before coding-DNA position 328, G replaced by A.
Molecular consequence: splice acceptor variant.
Genome position (GRCh38, 1-based): chr19:1,399,588, C>T on the plus strand (G>A on the coding strand, the complement: GAMT is on the minus strand). VCF-style: chr19-1399588-C-T. GRCh37 (hg19) VCF-style: chr19-1399587-C-T.
Other names: c.328-1G>A (NM_138924.3).
Identifiers: ClinVar variation 844968 (VCV000844968.19), dbSNP rs756772965, ClinGen allele CA9043720.
Genomic context (GRCh38, chr19:1,399,588, plus strand): 5'-AAAGTGACCGTCAGGCAGGGTGGGTGCCACATCCTCCCACAGGCCTTTCAAGGGGATGAC[C>T]TTGCAGAGGGGAAAAGAAAAAGAGAGGACAGGGTAGAGAGGTCCCCAGGATCTCCCCACC-3'

ClinVar aggregate classification (germline): Pathogenic. Review status: reviewed by expert panel (3 of 4 stars). 6 submissions from 6 submitters: Pathogenic (1). 5 of the submissions do not count toward it. Last evaluated 2025-10-08.

Conditions:
Deficiency of guanidinoacetate methyltransferase (CCDS2). Also called: Guanidinoacetate Methyltransferase (GAMT) Deficiency; GAMT DEFICIENCY; CEREBRAL CREATINE DEFICIENCY SYNDROME 2. Identifiers: Orphanet 382, MedGen C0574080, MONDO:0012999, OMIM 612736.
Cerebral creatine deficiency syndrome. Also called: Creatine deficiency syndromes. Identifiers: Orphanet 79172, MedGen C5244016, MONDO:0000456.
Inborn errors of metabolism. Also called: Inborn error of metabolism. Identifiers: Orphanet 68367, MedGen C0025521, MONDO:0019052.

Allele frequency attached by ClinVar (database versions not stated): gnomAD 0.00001; ExAC 0.00002; gnomAD exomes 0.00002; TOPMed 0.00002.
gnomAD v4.1: 39 of 1,612,274 alleles (0.0024%); highest among the groups gnomAD compares: Non-Finnish European, 0.0029%; no homozygotes.

Submissions (6):

ClinGen Cerebral Creatine Deficiency Syndromes Variant Curation Expert Panel, ClinGen
Classification: Pathogenic for Deficiency of guanidinoacetate methyltransferase. Last evaluated: 2025-10-08. Review status: reviewed by expert panel. Criteria: ClinGen CCDS ACMG Specifications GAMT V2.0.0. Collection method: curation. Allele origin: germline. Inheritance: Autosomal recessive inheritance.
Comment: The NM_000156.6:c.328-1G>A variant in GAMT occurs within the canonical splice acceptor site of intron 2. It is predicted to cause skipping of biologically-relevant-exon 3/6, resulting in a frameshift leading to nonsense mediated decay in a gene in which loss-of-function is an established disease mechanism (PVS1). At least 4 patients, all Chinese, with clinical symptoms consistent with GAMT deficiency, and elevated guanidinoacetate (in either urine or blood) have been reported. One of these individuals also had reduced creatine on brain MRS (PP4_Strong). This patient and an affected sibling were homozygous for the variant (Journal of Clinical Pediatrics, 2024 Vol.42 No.12 1039-1046 (article in Chinese), link to article; 0.5 points). Another individual was compound heterozygous for the variant and another variant in GAMT that has been classified as pathogenic for GAMT deficiency by the ClinGen CCDS VCEP, c.403G>A (p.Asp135Asn) (ClinVar Variation ID: 573140) phase unconfirmed, 0.5 points) (PMID: 37305710) (Total 1 point, PM3). Two additional probands were compound heterozygous and another variant in GAMT, either c.114C>T (p.Gly38=) or c.115 A>G (p.Lys39Glu). The allelic data from these patients will be used in the classification of the second variant and is not included here to avoid circular logic (PMID: 37305710). The highest population minor allele frequency in gnomAD v4.1.0. is 0.00002883 (34/1179490 alleles) in the European non-Finnish, which is lower than the ClinGen CCDS VCEP’s threshold for PM2_Supporting (<0.0004), meeting this criterion (PM2_Supporting). There is a ClinVar entry for this variant (Variation ID: 844968). In summary, this variant meets the criteria to be classified as pathogenic for GAMT deficiency based on the GAMT-specific ACMG/AMP criteria applied, as specified by the ClinGen Cerebral Creatine Deficiency Syndromes Variant Curation Expert Panel (Specifications Version 2.0.0): PVS1, PP4_Strong, PM3, PM2_Supporting. (Classification approved by the ClinGen Cerebral Creatine Deficiency Syndromes Variant Curation Expert Panel on October 8, 2025)

Natera, Inc.
Classification: Pathogenic for Guanidinoacetate methyltransferase deficiency. Last evaluated: 2025-12-15. Review status: criteria provided, single submitter. Criteria: Natera Variant Classification Schema (03/2026). Collection method: clinical testing. Allele origin: germline. Not counted in ClinVar's aggregate classification.
Comment: The c.328-1G>A variant in GAMT is a canonical splice acceptor site variant predicted to affect pre-mRNA splicing, which may result in an abnormal transcript and altered protein product. This variant is expected to result in nonsense mediated decay, truncation, or a dysfunctional protein product. This variant is rare in the general population with a frequency below the threshold expected for the associated phenotype(s). This variant has been observed in one or more individuals affected with the associated recessive disease, as either homozygous or compound heterozygous with a second variant (PMID: 37305710). Given the available evidence, this variant is classified as Pathogenic.

North West Genomic Laboratory Hub, Manchester University NHS Foundation Trust
Classification: Pathogenic for Inborn error of metabolism. Last evaluated: 2025-06-11. Review status: criteria provided, single submitter. Criteria: ACGS Best Practice Guidelines for Variant Classification in Rare Disease 2024. Collection method: clinical testing. Allele origin: germline. Affected: yes. Not counted in ClinVar's aggregate classification.
Comment: PM2_Mod PM3_Mod PP4_Str PVS1_VStr

Labcorp Genetics (formerly Invitae), Labcorp
Classification: Pathogenic for Cerebral creatine deficiency syndrome. Last evaluated: 2024-10-23. Review status: criteria provided, single submitter. Criteria: Invitae Variant Classification Sherloc (09022015). Collection method: clinical testing. Allele origin: germline. Not counted in ClinVar's aggregate classification.
Comment: This sequence change affects an acceptor splice site in intron 2 of the GAMT gene. It is expected to disrupt RNA splicing. Variants that disrupt the donor or acceptor splice site typically lead to a loss of protein function (PMID: 16199547), and loss-of-function variants in GAMT are known to be pathogenic (PMID: 15108290). This variant is present in population databases (rs756772965, gnomAD 0.007%). Disruption of this splice site has been observed in individual(s) with guanidinoacetate methyltransferase (GAMT) deficiency (internal data). In at least one individual the data is consistent with being in trans (on the opposite chromosome) from a pathogenic variant. ClinVar contains an entry for this variant (Variation ID: 844968). Algorithms developed to predict the effect of sequence changes on RNA splicing suggest that this variant may disrupt the consensus splice site. For these reasons, this variant has been classified as Pathogenic.

Fulgent Genetics
Classification: Likely pathogenic for Deficiency of guanidinoacetate methyltransferase. Last evaluated: 2024-05-04. Review status: criteria provided, single submitter. Criteria: ACMG Guidelines, 2015. Collection method: clinical testing. Allele origin: germline. Not counted in ClinVar's aggregate classification.

Broad Center for Mendelian Genomics, Broad Institute of MIT and Harvard
Classification: Uncertain significance for Cerebral creatine deficiency syndrome. Last evaluated: 2021-11-02. Review status: criteria provided, single submitter. Criteria: ACMG Guidelines, 2015. Collection method: curation. Allele origin: germline. Inheritance: Autosomal recessive inheritance. Not counted in ClinVar's aggregate classification.
Comment: The c.328-1G>A variant in GAMT has not been previously reported in individuals with cerebral creatine deficiency syndrome but has been identified in 0.006% (1/15792) of African/African American chromosomes by the Genome Aggregation Database (gnomAD; dbSNP ID: rs756772965). Although this variant has been seen in the general population in a heterozygous state, its frequency is low enough to be consistent with a recessive carrier frequency. This variant has also been reported in ClinVar (Variation ID#: 844968) and has been interpreted as likely pathogenic by Invitae. This variant is located in the 5' splice region. Computational tools predict a splicing impact, though this information is not predictive enough to determine pathogenicity. Loss of function of the GAMT gene is a strongly established disease mechanism in cerebral creatine deficiency syndrome. In summary, the clinical significance of the c.328-1G>A variant is uncertain. ACMG/AMP Criteria applied: PM2_supporting, PVS1 (Richards 2015).

Literature cited by the submitters: PubMed 37305710 (cited by Natera, Inc.); PubMed 16199547 (cited by Labcorp Genetics (formerly Invitae), Labcorp); PubMed 15108290 (cited by Labcorp Genetics (formerly Invitae), Labcorp).